The following is an entry in ClinVar:

ClinVar aggregate classification (germline): Uncertain significance (1 of 4 stars; one submission).

gnomAD v4.1: 15 of 1,614,060 alleles (0.00093%); highest among the groups gnomAD compares: East Asian, 0.0022%; no homozygotes.

Submission:

Labcorp Genetics (formerly Invitae), Labcorp
Classification: Uncertain significance. Last evaluated: 2021-03-24. Review status: criteria provided, single submitter. Criteria: Invitae Variant Classification Sherloc (09022015). Collection method: clinical testing. Allele origin: germline.
Comment: This sequence change replaces alanine with valine at codon 2181 of the CEP250 protein (p.Ala2181Val). The alanine residue is weakly conserved and there is a small physicochemical difference between alanine and valine. This variant is not present in population databases (ExAC no frequency). This variant has not been reported in the literature in individuals with CEP250-related conditions. Algorithms developed to predict the effect of missense changes on protein structure and function output the following: SIFT: "Not Available"; PolyPhen-2: "Benign"; Align-GVGD: "Not Available". The valine amino acid residue is found in multiple mammalian species, suggesting that this missense change does not adversely affect protein function. These predictions have not been confirmed by published functional studies and their clinical significance is uncertain. In summary, the available evidence is currently insufficient to determine the role of this variant in disease. Therefore, it has been classified as a Variant of Uncertain Significance.

NM_007186.6(CEP250):c.6542C>T (p.Ala2181Val)

Gene: CEP250 (centrosomal protein 250; plus strand). Cytogenetic location: 20q11.22.
Variant type: single nucleotide variant.
Coding change: c.6542C>T on transcript NM_007186.6 (MANE Select); coding-DNA position 6542, C replaced by T.
Protein change: p.Ala2181Val; replaces alanine 2181 with valine.
Molecular consequence: missense variant.
Genome position (GRCh38, 1-based): chr20:35,504,911, C>T. VCF-style: chr20-35504911-C-T. GRCh37 (hg19) VCF-style: chr20-34092739-C-T.
Other names: c.4646C>T, p.Ala1549Val (NM_001318219.1); short protein forms A2181V, A1549V.
Identifiers: ClinVar variation 1490036 (VCV001490036.6), dbSNP rs139681236, ClinGen allele CA408757422.
Genomic context (GRCh38, chr20:35,504,911, plus strand): 5'-AGACAGAAGCCAGGGAGATTGAGTGGAGGGAGAAGGCCCAGGACTTGGCACTCTCCCTAG[C>T]GCAGACCAAGGCCAGTGTCAGCAGTCTGCAGGAGGTAGCCATGTTCCTACAAGCCTCTGT-3'
Protein context (NP_009117.2, residues 2171-2191): EKAQDLALSL[Ala2181Val]QTKASVSSLQ